The following is an entry in ClinVar:

NM_019032.6(ADAMTSL4):c.2879del (p.Pro960fs)

Gene: ADAMTSL4 (ADAMTS like 4; plus strand). Cytogenetic location: 1q21.2.
Variant type: Deletion.
Coding change: c.2879del on transcript NM_019032.6 (MANE Select); coding-DNA position 2879, one base deleted (C; older notation c.2879delC).
Protein change: p.Pro960fs; shifts the reading frame from proline 960.
Molecular consequence: frameshift variant.
Genome position (GRCh38, 1-based): chr1:150,559,402, C deleted; the last of 5 consecutive C bases (chr1:150,559,398-150,559,402); deleting any one gives the same sequence. VCF-style (leftmost placement, unchanged base first): chr1-150559397-GC-G. GRCh37 (hg19) VCF-style: chr1-150531873-GC-G.
Other names: c.2762del, p.Pro921fs (NM_001288607.2); c.2948del, p.Pro983fs (NM_001288608.2); c.2879del, p.Pro960fs (NM_001378596.1); short protein forms P960fs, P921fs, P983fs.
Identifiers: ClinVar variation 2800016 (VCV002800016.4), dbSNP rs2526788248, ClinGen allele CA2739275281.
Genomic context (GRCh38, chr1:150,559,397, plus strand): 5'-ATCCAAACTGGGGACGGAGTTCAACGTGACTTCTCCGAGCAACTGTTCTCACCTCCCCAG[GC>G]CCCCTGCCCTGCAGCCCTGTCAAGGGCAGGCCTGCCAGGACCGATGGTTTTCCACGCCCT-3'

ClinVar aggregate classification (germline): Pathogenic/Likely pathogenic. Review status: criteria provided, multiple submitters, no conflicts (2 of 4 stars). 2 submissions from 2 submitters: Pathogenic (1); Likely pathogenic (1). Last evaluated 2024-06-25.

Conditions:
Ectopia lentis 2, isolated, autosomal recessive (ECTOL2). Identifiers: Orphanet 1885, MedGen C3541474, MONDO:0009152, OMIM 225100.
Ectopia lentis et pupillae. Also called: ECTOPIA LENTIS WITH ECTOPIA OF PUPIL. Identifiers: Orphanet 1885, MedGen C1644196, MONDO:0009153, OMIM 225200.

Submissions (2):

Fulgent Genetics
Classification: Likely pathogenic for Ectopia lentis 2, isolated, autosomal recessive; Ectopia lentis et pupillae. Last evaluated: 2024-06-25. Review status: criteria provided, single submitter. Criteria: ACMG Guidelines, 2015. Collection method: clinical testing. Allele origin: germline.

Labcorp Genetics (formerly Invitae), Labcorp
Classification: Pathogenic. Last evaluated: 2023-08-02. Review status: criteria provided, single submitter. Criteria: Invitae Variant Classification Sherloc (09022015). Collection method: clinical testing. Allele origin: germline.
Comment: For these reasons, this variant has been classified as Pathogenic. This variant has not been reported in the literature in individuals affected with ADAMTSL4-related conditions. This variant is not present in population databases (gnomAD no frequency). This sequence change creates a premature translational stop signal (p.Pro960Leufs*39) in the ADAMTSL4 gene. It is expected to result in an absent or disrupted protein product. Loss-of-function variants in ADAMTSL4 are known to be pathogenic (PMID: 20564469, 28642162).

Literature cited by the submitters: PubMed 20564469 (cited by Labcorp Genetics (formerly Invitae), Labcorp); PubMed 28642162 (cited by Labcorp Genetics (formerly Invitae), Labcorp).